The following is an entry in ClinVar:

NM_002160.4(TNC):c.2941G>A (p.Ala981Thr)

Gene: TNC (tenascin C; minus strand). Cytogenetic location: 9q33.1.
Variant type: single nucleotide variant.
Coding change: c.2941G>A on transcript NM_002160.4 (MANE Select); coding-DNA position 2941, G replaced by A.
Protein change: p.Ala981Thr; replaces alanine 981 with threonine.
Molecular consequence: missense variant.
Genome position (GRCh38, 1-based): chr9:115,076,041, C>T on the plus strand (G>A on the coding strand, the complement: TNC is on the minus strand). VCF-style: chr9-115076041-C-T. GRCh37 (hg19) VCF-style: chr9-117838320-C-T.
Other names: c.2941G>A, p.Ala981Thr (NM_001410991.1); short protein forms A981T.
Identifiers: ClinVar variation 3180122 (VCV003180122.3), dbSNP rs139800185, ClinGen allele CA5208370.

ClinVar aggregate classification (germline): Conflicting classifications of pathogenicity. Review status: criteria provided, conflicting classifications (1 of 4 stars). 3 submissions from 3 submitters: Likely pathogenic (1); Uncertain significance (2). Last evaluated 2025-07-24.

Conditions:
TNC-related disorder. Also called: TNC-related condition.
Autosomal dominant nonsyndromic hearing loss 56. Also called: Deafness, autosomal dominant 56. Identifiers: Orphanet 90635, MedGen C3810170, MONDO:0014283, OMIM 615629.

Allele frequency attached by ClinVar (database versions not stated): gnomAD exomes 0.00008; TOPMed 0.00010; ExAC 0.00012; gnomAD 0.00013; ESP Exome Variant Server 0.00023.
gnomAD v4.1: 154 of 1,613,918 alleles (0.0095%); highest among the groups gnomAD compares: Middle Eastern, 0.066%; no homozygotes.

Submissions (3):

PreventionGenetics, part of Exact Sciences
Classification: Uncertain significance for TNC-related condition. Last evaluated: 2025-07-24. Review status: criteria provided, single submitter. Criteria: ACMG Guidelines, 2015. Collection method: clinical testing. Allele origin: germline.
Comment: The TNC c.2941G>A variant is predicted to result in the amino acid substitution p.Ala981Thr. To our knowledge, this variant has not been reported in the literature. This variant is reported in 0.17% of alleles in individuals of Ashkenazi Jewish descent in gnomAD. Although we suspect that this variant may be benign, at this time, the clinical significance of this variant is uncertain due to the absence of conclusive functional and genetic evidence.

Laboratory of Prof. Karen Avraham, Tel Aviv University
Classification: Likely pathogenic for Autosomal dominant nonsyndromic hearing loss 56. Last evaluated: 2024-06-10. Review status: criteria provided, single submitter. Criteria: ACMG Guidelines, 2015. Collection method: research. Allele origin: germline. Affected: yes. Observed: 2 variant alleles.
Comment: A very rare variant predicted deleterious by most prediction programs. Two probands with the same phenotype

DFNA56; high-tone HL

Ambry Genetics
Classification: Uncertain significance. Last evaluated: 2021-12-20. Review status: criteria provided, single submitter. Criteria: Ambry Variant Classification Scheme 2023. Collection method: clinical testing. Allele origin: germline.